The following is an entry in ClinVar:

ClinVar aggregate classification (germline): Likely pathogenic. Review status: criteria provided, single submitter (1 of 4 stars). 2 submissions from 2 submitters: Likely pathogenic (1). 1 of the submissions does not count toward it. Last evaluated 2023-08-08.

Conditions:
Pyruvate dehydrogenase E1-alpha deficiency (PDHAD). Also called: Ataxia, intermittent, with pyruvate dehydrogenase, or decarboxylase, deficiency; ATAXIA, INTERMITTENT, WITH PYRUVATE DEHYDROGENASE DEFICIENCY; ATAXIA WITH LACTIC ACIDOSIS I; ATAXIA, INTERMITTENT, WITH ABNORMAL PYRUVATE METABOLISM. Identifiers: Orphanet 79243, MedGen C1839413, MONDO:0010717, OMIM 312170.

Submissions (2):

Institute of Human Genetics Munich, TUM University Hospital
Classification: Likely pathogenic for Pyruvate dehydrogenase E1-alpha deficiency. Last evaluated: 2023-08-08. Review status: criteria provided, single submitter. Criteria: Classification criteria August 2017. Collection method: clinical testing. Allele origin: maternal, inherited. Inheritance: X-linked inheritance. Affected: yes. Observed: 2 variant alleles.

PDHA1 Study Group, University Children’s Hospital, Paracelsus Medical University
Classification: Likely pathogenic for Pyruvate dehydrogenase E1-alpha deficiency. Last evaluated: 2024-10-15. Review status: no assertion criteria provided. Collection method: research. Allele origin: germline. Affected: yes. Observed: 1 variant allele. Not counted in ClinVar's aggregate classification.
Comment: The NM_000284.3:c.465G>T (p.Met155Ile) substitution is a missense variant in PDHA1 gene. Last literature search: July 12, 2024. This variant is absent or extremely rare in population-based cohorts in the Genome Aggregation Database (gnomAD). Individuals harboring this variant presented with clinical features compatible with PDHA1-related PDHc deficiency. In summary, this variant meets criteria to be classified as likely pathogenic (LP) for PDHA1-related PDHc deficiency based on the ACMG/AMP criteria applied: PM1, PM2, PM5, PP3 (last assessment October 15, 2024).

Literature cited by the submitters: DOI 10.1093/brain/awaf430 (cited by PDHA1 Study Group, University Children’s Hospital, Paracelsus Medical University).

NM_000284.4(PDHA1):c.465G>T (p.Met155Ile)

Gene: PDHA1 (pyruvate dehydrogenase E1 subunit alpha 1; plus strand). Cytogenetic location: Xp22.12.
Variant type: single nucleotide variant.
Coding change: c.465G>T on transcript NM_000284.4 (MANE Select); coding-DNA position 465, G replaced by T.
Protein change: p.Met155Ile; replaces methionine 155 with isoleucine.
Molecular consequence: missense variant.
Genome position (GRCh38, 1-based): chrX:19,353,128, G>T. VCF-style: chrX-19353128-G-T. GRCh37 (hg19) VCF-style: chrX-19371246-G-T.
Other names: c.465G>T (NM_000284.3); c.579G>T, p.Met193Ile (NM_001173454.2); c.486G>T, p.Met162Ile (NM_001173455.2); c.465G>T, p.Met155Ile (NM_001173456.2); short protein forms M155I, M162I, M193I.
Identifiers: ClinVar variation 2584338 (VCV002584338.2), dbSNP rs2518497064, ClinGen allele CA412393249.